The following is an entry in ClinVar:

NM_000937.5(POLR2A):c.959_960delinsGC (p.Asn320Ser)

Gene: POLR2A (RNA polymerase II subunit A; plus strand). Cytogenetic location: 17p13.1.
Variant type: Indel.
Coding change: c.959_960delinsGC on transcript NM_000937.5 (MANE Select); coding-DNA positions 959 to 960, AT replaced by GC.
Protein change: p.Asn320Ser; replaces asparagine 320 with serine.
Molecular consequence: missense variant.
Genome position (GRCh38, 1-based): chr17:7,497,495-7,497,496, AT replaced by GC. VCF-style: chr17-7497495-AT-GC. GRCh37 (hg19) VCF-style: chr17-7400814-AT-GC.
Other names: short protein forms N320S.
Identifiers: ClinVar variation 4994490 (VCV004994490.1).

ClinVar aggregate classification (germline): Uncertain significance (1 of 4 stars; one submission).

Conditions:
POLR2A-related disorder. Also called: POLR2A-related condition.

Submission:

PreventionGenetics, part of Exact Sciences
Classification: Uncertain significance for POLR2A-related condition. Last evaluated: 2026-03-17. Review status: criteria provided, single submitter. Criteria: ACMG Guidelines, 2015. Collection method: clinical testing. Allele origin: germline.
Comment: The POLR2A c.959_960delinsGC variant is predicted to result in an in-frame deletion and insertion. To our knowledge, this variant has not been reported in the literature or in a large population database (gnomAD), indicating this variant is rare. At this time, the clinical significance of this variant is uncertain due to the absence of conclusive functional and genetic evidence.